The following is an entry in ClinVar:

ClinVar aggregate classification (germline): Uncertain significance. Review status: criteria provided, multiple submitters, no conflicts (2 of 4 stars). 2 submissions from 2 submitters: Uncertain significance (2). Last evaluated 2023-11-14.

Conditions:
Cardiovascular phenotype. Identifiers: MedGen CN230736.
RASopathy. Also called: rasopathies; Noonan spectrum disorder. Identifiers: Orphanet 536391, MedGen C5555857, MONDO:0021060.

Allele frequency attached by ClinVar (database versions not stated): TOPMed below 0.00001.

Submissions (2):

Labcorp Genetics (formerly Invitae), Labcorp
Classification: Uncertain significance for RASopathy. Last evaluated: 2023-11-14. Review status: criteria provided, single submitter. Criteria: Invitae Variant Classification Sherloc (09022015). Collection method: clinical testing. Allele origin: germline.
Comment: This sequence change replaces threonine, which is neutral and polar, with alanine, which is neutral and non-polar, at codon 57 of the RAF1 protein (p.Thr57Ala). This variant is not present in population databases (gnomAD no frequency). This variant has not been reported in the literature in individuals affected with RAF1-related conditions. ClinVar contains an entry for this variant (Variation ID: 1899742). Advanced modeling of protein sequence and biophysical properties (such as structural, functional, and spatial information, amino acid conservation, physicochemical variation, residue mobility, and thermodynamic stability) performed at Invitae indicates that this missense variant is expected to disrupt RAF1 protein function with a positive predictive value of 80%. In summary, the available evidence is currently insufficient to determine the role of this variant in disease. Therefore, it has been classified as a Variant of Uncertain Significance.

Ambry Genetics
Classification: Uncertain significance for Cardiovascular phenotype. Last evaluated: 2023-02-17. Review status: criteria provided, single submitter. Criteria: Ambry Variant Classification Scheme 2023. Collection method: clinical testing. Allele origin: germline.
Comment: The p.T57A variant (also known as c.169A>G), located in coding exon 1 of the RAF1 gene, results from an A to G substitution at nucleotide position 169. The threonine at codon 57 is replaced by alanine, an amino acid with similar properties. This amino acid position is highly conserved in available vertebrate species. In addition, the in silico prediction for this alteration is inconclusive. Since supporting evidence is limited at this time, the clinical significance of this alteration remains unclear.

NM_002880.4(RAF1):c.169A>G (p.Thr57Ala)

Gene: RAF1 (Raf-1 proto-oncogene, serine/threonine kinase; minus strand). Cytogenetic location: 3p25.2.
Variant type: single nucleotide variant.
Coding change: c.169A>G on transcript NM_002880.4 (MANE Select); coding-DNA position 169, A replaced by G.
Protein change: p.Thr57Ala; replaces threonine 57 with alanine.
Molecular consequence: missense variant. On other transcripts: synonymous variant (4), non-coding transcript variant (3).
Genome position (GRCh38, 1-based): chr3:12,618,553, T>C on the plus strand (A>G on the coding strand, the complement: RAF1 is on the minus strand). VCF-style: chr3-12618553-T-C. GRCh37 (hg19) VCF-style: chr3-12660052-T-C.
Other names: c.169A>G, p.Thr57Ala (NM_001354689.3, NM_001354690.3, NM_001354693.3); c.39A>G, p.Thr13= (NM_001354691.3, NM_001354692.3, NM_001354694.3 and 1 more transcripts); short protein forms T57A.
Identifiers: ClinVar variation 1899742 (VCV001899742.7), dbSNP rs141658044, ClinGen allele CA69576866.